The following is an entry in ClinVar:

ClinVar aggregate classification (germline): Uncertain significance. Review status: criteria provided, multiple submitters, no conflicts (2 of 4 stars). 2 submissions from 2 submitters: Uncertain significance (2). Last evaluated 2025-05-02.

Conditions:
Inborn genetic diseases. Identifiers: MedGen C0950123, MeSH D030342.

gnomAD v4.1: 2 of 1,614,234 alleles (0.00012%); highest among the groups gnomAD compares: Middle Eastern, 0.016%; no homozygotes.

Submissions (2):

GeneDx
Classification: Uncertain significance. Last evaluated: 2025-05-02. Review status: criteria provided, single submitter. Criteria: GeneDx Variant Classification Process June 2021. Collection method: clinical testing. Allele origin: germline. Affected: yes.
Comment: In silico analysis suggests that this missense variant does not alter protein structure/function; Has not been previously published as pathogenic or benign to our knowledge

Ambry Genetics
Classification: Uncertain significance for Inborn genetic diseases. Last evaluated: 2025-03-08. Review status: criteria provided, single submitter. Criteria: Ambry Variant Classification Scheme 2023. Collection method: clinical testing. Allele origin: germline.

NM_032217.5(ANKRD17):c.2720A>C (p.Gln907Pro)

Gene: ANKRD17 (ankyrin repeat domain 17; minus strand). Cytogenetic location: 4q13.3.
Variant type: single nucleotide variant.
Coding change: c.2720A>C on transcript NM_032217.5 (MANE Select); coding-DNA position 2720, A replaced by C.
Protein change: p.Gln907Pro; replaces glutamine 907 with proline.
Molecular consequence: missense variant. On other transcripts: intron variant (1).
Genome position (GRCh38, 1-based): chr4:73,139,896, T>G on the plus strand (A>C on the coding strand, the complement: ANKRD17 is on the minus strand). VCF-style: chr4-73139896-T-G. GRCh37 (hg19) VCF-style: chr4-74005613-T-G.
Other names: c.2381A>C, p.Gln794Pro (NM_001286771.3); c.2720A>C, p.Gln907Pro (NM_015574.2); c.2332+1845A>C (NM_198889.3); c.2720A>C (NM_032217.4); short protein forms Q794P, Q907P.
Identifiers: ClinVar variation 3867124 (VCV003867124.2).